The following is an entry in ClinVar:

ClinVar aggregate classification (germline): Likely benign. Review status: criteria provided, multiple submitters, no conflicts (2 of 4 stars). 3 submissions from 3 submitters: Likely benign (3). Last evaluated 2025-09-24.

Conditions:
Hypertrophic cardiomyopathy. Also called: HYPERTROPHIC MYOCARDIOPATHY. Identifiers: Orphanet 217569, MedGen C0007194, MeSH D002312, MONDO:0005045, HP:0001639.
Cardiomyopathy (CMYO). Also called: Cardiomyopathies. Identifiers: Orphanet 167848, MedGen C0878544, MONDO:0004994, HP:0001638. Inheritance: Various modes of inheritance.

Allele frequency attached by ClinVar (database versions not stated): ExAC 0.00003; gnomAD exomes 0.00001.
gnomAD v4.1: 7 of 1,601,794 alleles (0.00044%); highest among the groups gnomAD compares: South Asian, 0.0078%; no homozygotes.

Submissions (3):

Labcorp Genetics (formerly Invitae), Labcorp
Classification: Likely benign for Hypertrophic cardiomyopathy. Last evaluated: 2025-09-24. Review status: criteria provided, single submitter. Criteria: Invitae Variant Classification Sherloc (09022015). Collection method: clinical testing. Allele origin: germline.

All of Us Research Program, National Institutes of Health
Classification: Likely benign for Hypertrophic cardiomyopathy. Last evaluated: 2023-05-04. Review status: criteria provided, single submitter. Criteria: ACMG Guidelines, 2015. Collection method: clinical testing. Allele origin: germline. Inheritance: Autosomal dominant inheritance. Observed: 1 variant allele, 1 heterozygote.
Comment: This study involves interpretation of variants in research participants for the purpose of population health screening. Participant phenotype was not available at the time of variant classification. Additional details can be found in publication PMID: 35346344, PMCID: PMC8962531

Color Diagnostics, LLC DBA Color Health
Classification: Likely benign for Cardiomyopathy. Last evaluated: 2023-04-19. Review status: criteria provided, single submitter. Criteria: ACMG Guidelines, 2015. Collection method: clinical testing. Allele origin: germline.

NM_000256.3(MYBPC3):c.3009T>G (p.Pro1003=)

Gene: MYBPC3 (myosin binding protein C3; minus strand). Cytogenetic location: 11p11.2.
Variant type: single nucleotide variant.
Coding change: c.3009T>G on transcript NM_000256.3 (MANE Select); coding-DNA position 3009, T replaced by G.
Protein change: p.Pro1003=; no amino-acid change (proline 1003 retained).
Molecular consequence: synonymous variant.
Genome position (GRCh38, 1-based): chr11:47,333,738, A>C on the plus strand (T>G on the coding strand, the complement: MYBPC3 is on the minus strand). VCF-style: chr11-47333738-A-C. GRCh37 (hg19) VCF-style: chr11-47355289-A-C.
Identifiers: ClinVar variation 2029323 (VCV002029323.6), dbSNP rs749611054, ClinGen allele CA079086.
Genomic context (GRCh38, chr11:47,333,738, plus strand): 5'-GTTGCGGATGCTCACCTCCTCGCCTGCCAGGGGCTGCCCCTCTTTGGTCCAGGTCACCTG[A>C]GGCCGGGGCTTGCCCTGAGGGGAGGAAAAGCTTAACCCTGAACCTGGATCACTCCAAGGG-3'
Protein context (NP_000247.2, residues 993-1013): LLIPFQGKPR[Pro1003=]QVTWTKEGQP